The following is an entry in ClinVar:

ClinVar aggregate classification (germline): Uncertain significance. Review status: criteria provided, multiple submitters, no conflicts (2 of 4 stars). 4 submissions from 4 submitters: Uncertain significance (4). Last evaluated 2026-01-28.

Conditions:
Hereditary cancer-predisposing syndrome. Also called: Neoplastic Syndromes, Hereditary; Tumor predisposition; Hereditary neoplastic syndrome; Hereditary Cancer Syndrome. Identifiers: Orphanet 140162, MedGen C0027672, MeSH D009386, MONDO:0015356.
Mitochondrial complex II deficiency, nuclear type 1. Also called: SUCCINATE CoQ REDUCTASE DEFICIENCY. Identifiers: Orphanet 3208, MedGen C5700310, MONDO:0100294, OMIM 252011.
Pheochromocytoma/paraganglioma syndrome 5. Also called: Paragangliomas 5; SDHA-Related Hereditary Paraganglioma-Pheochromocytoma Syndrome. Identifiers: Orphanet 29072, MedGen C3279992, MONDO:0013602, OMIM 614165.

Allele frequency attached by ClinVar (database versions not stated): gnomAD exomes 0.00002 and 0.00003; TOPMed 0.00003; gnomAD 0.00001; ExAC 0.00002.
gnomAD v4.1: 42 of 1,610,940 alleles (0.0026%); highest among the groups gnomAD compares: Non-Finnish European, 0.0035%; no homozygotes.

Submissions (4):

Labcorp Genetics (formerly Invitae), Labcorp
Classification: Uncertain significance for Pheochromocytoma/paraganglioma syndrome 5; Mitochondrial complex II deficiency, nuclear type 1. Last evaluated: 2026-01-28. Review status: criteria provided, single submitter. Criteria: Invitae Variant Classification Sherloc (09022015). Collection method: clinical testing. Allele origin: germline.
Comment: This sequence change replaces leucine, which is neutral and non-polar, with valine, which is neutral and non-polar, at codon 639 of the SDHA protein (p.Leu639Val). This variant is present in population databases (rs1126697, gnomAD 0.004%). This variant has not been reported in the literature in individuals affected with SDHA-related conditions. ClinVar contains an entry for this variant (Variation ID: 472372). Invitae Evidence Modeling of protein sequence and biophysical properties (such as structural, functional, and spatial information, amino acid conservation, physicochemical variation, residue mobility, and thermodynamic stability) indicates that this missense variant is not expected to disrupt SDHA protein function with a negative predictive value of 95%. In summary, the available evidence is currently insufficient to determine the role of this variant in disease. Therefore, it has been classified as a Variant of Uncertain Significance.

Ambry Genetics
Classification: Uncertain significance for Hereditary cancer-predisposing syndrome. Last evaluated: 2025-09-19. Review status: criteria provided, single submitter. Criteria: Ambry Variant Classification Scheme 2023. Collection method: clinical testing. Allele origin: germline.
Comment: The p.L639V variant (also known as c.1915C>G), located in coding exon 15 of the SDHA gene, results from a C to G substitution at nucleotide position 1915. The leucine at codon 639 is replaced by valine, an amino acid with highly similar properties. This amino acid position is highly conserved in available vertebrate species. In addition, the in silico prediction for this alteration is inconclusive. Since supporting evidence is limited at this time, the clinical significance of this alteration remains unclear.

St. Jude Molecular Pathology, St. Jude Children's Research Hospital
Classification: Uncertain significance for Pheochromocytoma/paraganglioma syndrome 5. Last evaluated: 2025-06-17. Review status: criteria provided, single submitter. Criteria: St. Jude Assertion Criteria 2020. Collection method: clinical testing. Allele origin: germline.
Comment: The SDHA c.1915C>G p.(Leu639Val) missense change has a maximum subpopulation frequency of 0.004% in gnomAD v2.1.1. The in silico tool REVEL is inconclusive about a pathogenic or benign effect of this variant on protein function, and to our knowledge functional studies have not been performed. To our knowledge, this variant has not been reported in individuals with SDHA-associated tumors. In summary, the evidence currently available is insufficient to determine the clinical significance of this variant. It has therefore been classified as of uncertain significance.

GeneDx
Classification: Uncertain significance. Last evaluated: 2024-05-16. Review status: criteria provided, single submitter. Criteria: GeneDx Variant Classification Process June 2021. Collection method: clinical testing. Allele origin: germline.
Comment: Not observed at significant frequency in large population cohorts (gnomAD); In silico analysis indicates that this missense variant does not alter protein structure/function; Has not been previously published as pathogenic or benign to our knowledge; This variant is associated with the following publications: (PMID: 38103030)

NM_004168.4(SDHA):c.1915C>G (p.Leu639Val)

Gene: SDHA (succinate dehydrogenase complex flavoprotein subunit A; plus strand). Cytogenetic location: 5p15.33.
Variant type: single nucleotide variant.
Coding change: c.1915C>G on transcript NM_004168.4 (MANE Select); coding-DNA position 1915, C replaced by G.
Protein change: p.Leu639Val; replaces leucine 639 with valine.
Molecular consequence: missense variant.
Genome position (GRCh38, 1-based): chr5:256,340, C>G. VCF-style: chr5-256340-C-G. GRCh37 (hg19) VCF-style: chr5-256455-C-G.
Other names: c.1771C>G, p.Leu591Val (NM_001294332.2); c.1672C>G, p.Leu558Val (NM_001330758.2); short protein forms L639V, L591V, L558V.
Identifiers: ClinVar variation 472372 (VCV000472372.18), dbSNP rs1126697, ClinGen allele CA3173460.
Genomic context (GRCh38, chr5:256,340, plus strand): 5'-GATGGCTTTTTGTACATTTTTGTGCTTAACTTACCACTGACTCTTCTTTTCAAGGTCACT[C>G]TGGAATATAGACCCGTGATCGACAAAACTTTGAACGAGGCTGACTGTGCCACCGTCCCGC-3'
Protein context (NP_004159.2, residues 629-649): YVDVGTGKVT[Leu639Val]EYRPVIDKTL